The following is an entry in ClinVar:

NM_001082486.1(ACD):c.58G>A (p.Ala20Thr)

Genes: ACD (ACD shelterin complex subunit and telomerase recruitment factor; minus strand), LOC130059224 (ATAC-STARR-seq lymphoblastoid silent region 7617; plus strand). Cytogenetic location: 16q22.1.
Variant type: single nucleotide variant.
Coding change: c.58G>A on transcript NM_001082486.1; coding-DNA position 58, G replaced by A.
Protein change: p.Ala20Thr; replaces alanine 20 with threonine.
Genome position (GRCh38, 1-based): chr16:67,660,421, C>T on the plus strand (G>A on the coding strand, the complement: ACD is on the minus strand). VCF-style: chr16-67660421-C-T. GRCh37 (hg19) VCF-style: chr16-67694324-C-T.
Other names: short protein forms A20T.
Identifiers: ClinVar variation 1033276 (VCV001033276.6), dbSNP rs372927331, ClinGen allele CA8114944.

ClinVar aggregate classification (germline): Uncertain significance. Review status: criteria provided, multiple submitters, no conflicts (2 of 4 stars). 2 submissions from 2 submitters: Uncertain significance (2). Last evaluated 2024-08-07.

Conditions:
Inborn genetic diseases. Identifiers: MedGen C0950123, MeSH D030342.
Dyskeratosis congenita, autosomal dominant 6 (DKCA6). Identifiers: Orphanet 3322, MedGen C4225284, MONDO:0014690, OMIM 616553.

Allele frequency attached by ClinVar (database versions not stated): gnomAD exomes below 0.00001; ExAC 0.00001; ESP Exome Variant Server 0.00008.

Submissions (2):

Ambry Genetics
Classification: Uncertain significance for Inborn genetic diseases. Last evaluated: 2024-08-07. Review status: criteria provided, single submitter. Criteria: Ambry Variant Classification Scheme 2023. Collection method: clinical testing. Allele origin: germline.
Comment: The p.A20T variant (also known as c.58G>A), located in coding exon 1 of the ACD gene, results from a G to A substitution at nucleotide position 58. The alanine at codon 20 is replaced by threonine, an amino acid with similar properties. This amino acid position is conserved. In addition, this alteration is predicted to be tolerated by in silico analysis. Since supporting evidence is limited at this time, the clinical significance of this alteration remains unclear.

Baylor Genetics
Classification: Uncertain significance for Dyskeratosis congenita, autosomal dominant 6. Last evaluated: 2018-03-01. Review status: criteria provided, single submitter. Criteria: ACMG Guidelines, 2015. Collection method: clinical testing. Allele origin: paternal. Affected: yes.
Comment: This variant was determined to be of uncertain significance according to ACMG Guidelines, 2015 [PMID:25741868].